The following is an entry in ClinVar:

ClinVar aggregate classification (germline): Uncertain significance (1 of 4 stars; one submission).

Conditions:
Hereditary sensory and autonomic neuropathy type 6. Also called: HSAN VI; Neuropathy, hereditary sensory and autonomic, type VI. Identifiers: Orphanet 314381, MedGen C3539003, MONDO:0013839, OMIM 614653.
Epidermolysis bullosa simplex 3, localized or generalized intermediate, with BP230 deficiency (EBS3). Also called: Epidermolysis bullosa simplex due to BP230 deficiency; Epidermolysis bullosa simplex, autosomal recessive 2. Identifiers: Orphanet 412181, MedGen C3809470, MONDO:0014180, OMIM 615425.

Allele frequency attached by ClinVar (database versions not stated): gnomAD exomes below 0.00001.
gnomAD v4.1: 1 of 1,613,618 alleles (0.000062%); highest among the groups gnomAD compares: Non-Finnish European, 0.000085%; no homozygotes.

Submission:

Labcorp Genetics (formerly Invitae), Labcorp
Classification: Uncertain significance for Epidermolysis bullosa simplex 3, localized or generalized intermediate, with BP230 deficiency; Hereditary sensory and autonomic neuropathy type 6. Last evaluated: 2022-06-09. Review status: criteria provided, single submitter. Criteria: Invitae Variant Classification Sherloc (09022015). Collection method: clinical testing. Allele origin: germline.
Comment: In summary, the available evidence is currently insufficient to determine the role of this variant in disease. Therefore, it has been classified as a Variant of Uncertain Significance. Experimental studies and prediction algorithms are not available or were not evaluated, and the functional significance of this variant is currently unknown. This variant has not been reported in the literature in individuals affected with DST-related conditions. This variant is present in population databases (no rsID available, gnomAD 0.006%). This sequence change replaces tyrosine, which is neutral and polar, with cysteine, which is neutral and slightly polar, at codon 2399 of the DST protein (p.Tyr2399Cys). The DST gene has multiple clinically relevant transcripts. This variant occurs in alternate transcript NM_015548.4, and corresponds to NM_001723.5:c.*60101A>G in the primary transcript.

NM_001374736.1(DST):c.15065A>G (p.Tyr5022Cys)

Gene: DST (dystonin; minus strand). Cytogenetic location: 6p12.1.
Variant type: single nucleotide variant.
Coding change: c.15065A>G on transcript NM_001374736.1 (MANE Select); coding-DNA position 15065, A replaced by G.
Protein change: p.Tyr5022Cys; replaces tyrosine 5022 with cysteine.
Molecular consequence: missense variant.
Genome position (GRCh38, 1-based): chr6:56,555,416, T>C on the plus strand (A>G on the coding strand, the complement: DST is on the minus strand). VCF-style: chr6-56555416-T-C. GRCh37 (hg19) VCF-style: chr6-56420214-T-C.
Other names: c.8708A>G, p.Tyr2903Cys (NM_001144769.5); c.8294A>G, p.Tyr2765Cys (NM_001144770.2); c.15065A>G, p.Tyr5022Cys (NM_001374722.1); c.14432A>G, p.Tyr4811Cys (NM_001374729.1); c.8174A>G, p.Tyr2725Cys (NM_001374730.1, NM_001386100.1, NM_183380.4); c.15092A>G, p.Tyr5031Cys (NM_001374734.1); c.7196A>G, p.Tyr2399Cys (NM_015548.5); short protein forms Y2765C, Y2903C, Y2399C, Y2725C, Y4811C, Y5022C, Y5031C.
Identifiers: ClinVar variation 2153799 (VCV002153799.4), dbSNP rs1373212262, ClinGen allele CA364518578.